The following is an entry in ClinVar:

NM_001271938.2(MEGF8):c.1877G>A (p.Arg626Gln)

Gene: MEGF8 (multiple EGF like domains 8; plus strand). Cytogenetic location: 19q13.2.
Variant type: single nucleotide variant.
Coding change: c.1877G>A on transcript NM_001271938.2 (MANE Select); coding-DNA position 1877, G replaced by A.
Protein change: p.Arg626Gln; replaces arginine 626 with glutamine.
Molecular consequence: missense variant.
Genome position (GRCh38, 1-based): chr19:42,344,529, G>A. VCF-style: chr19-42344529-G-A. GRCh37 (hg19) VCF-style: chr19-42848681-G-A.
Other names: c.1877G>A, p.Arg626Gln (NM_001410.3); c.1877G>A (NM_001410.2); short protein forms R626Q.
Identifiers: ClinVar variation 1437392 (VCV001437392.5), dbSNP rs773886995, ClinGen allele CA9474582.

ClinVar aggregate classification (germline): Uncertain significance. Review status: criteria provided, multiple submitters, no conflicts (2 of 4 stars). 3 submissions from 3 submitters: Uncertain significance (3). Last evaluated 2023-12-20.

Conditions:
Inborn genetic diseases. Identifiers: MedGen C0950123, MeSH D030342.
MEGF8-related Carpenter syndrome. Also called: Carpenter syndrome 2. Identifiers: Orphanet 65759, MedGen C3554247, MONDO:0013998, OMIM 614976.

Allele frequency attached by ClinVar (database versions not stated): ExAC 0.00004; gnomAD exomes 0.00006 and 0.00009; gnomAD 0.00014 and 0.00016; TOPMed 0.00015.
gnomAD v4.1: 152 of 1,599,926 alleles (0.0095%); highest among the groups gnomAD compares: Admixed American, 0.045%; no homozygotes.

Submissions (3):

GeneDx
Classification: Uncertain significance. Last evaluated: 2023-12-20. Review status: criteria provided, single submitter. Criteria: GeneDx Variant Classification Process June 2021. Collection method: clinical testing. Allele origin: germline. Affected: yes.
Comment: In silico analysis supports that this missense variant does not alter protein structure/function; Has not been previously published as pathogenic or benign to our knowledge

Labcorp Genetics (formerly Invitae), Labcorp
Classification: Uncertain significance for MEGF8-related Carpenter syndrome. Last evaluated: 2022-09-01. Review status: criteria provided, single submitter. Criteria: Invitae Variant Classification Sherloc (09022015). Collection method: clinical testing. Allele origin: germline.
Comment: This sequence change replaces arginine, which is basic and polar, with glutamine, which is neutral and polar, at codon 626 of the MEGF8 protein (p.Arg626Gln). This variant is present in population databases (rs773886995, gnomAD 0.03%). This variant has not been reported in the literature in individuals affected with MEGF8-related conditions. ClinVar contains an entry for this variant (Variation ID: 1437392). Algorithms developed to predict the effect of missense changes on protein structure and function (SIFT, PolyPhen-2, Align-GVGD) all suggest that this variant is likely to be tolerated. Algorithms developed to predict the effect of sequence changes on RNA splicing suggest that this variant may create or strengthen a splice site. In summary, the available evidence is currently insufficient to determine the role of this variant in disease. Therefore, it has been classified as a Variant of Uncertain Significance.

Ambry Genetics
Classification: Uncertain significance for Inborn genetic diseases. Last evaluated: 2021-09-01. Review status: criteria provided, single submitter. Criteria: Ambry Variant Classification Scheme 2023. Collection method: clinical testing. Allele origin: germline.